The following is an entry in ClinVar:

NM_001232.4(CASQ2):c.1179TGA[3] (p.Asp398dup)

Gene: CASQ2 (calsequestrin 2; minus strand). Cytogenetic location: 1p13.1.
Variant type: Microsatellite.
Coding change: c.1179TGA[3] on transcript NM_001232.4 (MANE Select); three copies in a row of the 3-base unit TGA starting at c.1179; the reference has two copies in a row; one copy, 3 bases duplicated.
Protein change: p.Asp398dup; duplicates aspartic acid 398.
Molecular consequence: inframe insertion.
Genome position (GRCh38, 1-based): chr1:115,701,257-115,701,259, TCA duplicated on the plus strand (TGA on the coding strand, the reverse complement: CASQ2 is on the minus strand); duplicating any 3 consecutive bases within chr1:115,701,257-115,701,262 gives the same sequence; the position shown is the placement nearest the transcript's 3' end. VCF-style (leftmost placement, unchanged base first): chr1-115701256-G-GTCA. GRCh37 (hg19) VCF-style: chr1-116243877-G-GTCA.
Other names: c.1179_1181dup (NM_001232.3).
Identifiers: ClinVar variation 191440 (VCV000191440.1), dbSNP rs786205267, ClinGen allele CA236668.

ClinVar aggregate classification (germline): Uncertain significance (1 of 4 stars; one submission).

Submission:

Biesecker Lab/Clinical Genomics Section, National Institutes of Health
Classification: Uncertain significance. Last evaluated: 2013-06-24. Review status: criteria provided, single submitter. Criteria: Ng et al. (Circ Cardiovasc Genet. 2013). Collection method: research. Allele origin: unknown. Observed: 1 variant allele. Study: ClinSeq.
Comment: The study set was not selected for affection status in relation to any cancer. Pathogenicity categories were based on literature curation. See Pubmed ID:23861362 for details.

Medical sequencing